The following is an entry in ClinVar:

ClinVar aggregate classification (germline): Uncertain significance (1 of 4 stars; one submission).

Conditions:
Combined immunodeficiency due to DOCK8 deficiency (HIES2). Also called: HYPER-IgE SYNDROME 2, AUTOSOMAL RECESSIVE, WITH RECURRENT INFECTIONS; DOCK8 Deficiency; HIES autosomal recessive; Hyper-IgE recurrent infection syndrome, autosomal recessive; HYPER-IgE RECURRENT INFECTION SYNDROME 2, AUTOSOMAL RECESSIVE. Identifiers: Orphanet 217390, MedGen C4722305, MONDO:0009478, OMIM 243700.

Submission:

Labcorp Genetics (formerly Invitae), Labcorp
Classification: Uncertain significance for Combined immunodeficiency due to DOCK8 deficiency. Last evaluated: 2025-03-05. Review status: criteria provided, single submitter. Criteria: Invitae Variant Classification Sherloc (09022015). Collection method: clinical testing. Allele origin: germline.
Comment: This sequence change replaces phenylalanine, which is neutral and non-polar, with leucine, which is neutral and non-polar, at codon 277 of the DOCK8 protein (p.Phe277Leu). This variant is not present in population databases (gnomAD no frequency). This variant has not been reported in the literature in individuals affected with DOCK8-related conditions. Invitae Evidence Modeling of protein sequence and biophysical properties (such as structural, functional, and spatial information, amino acid conservation, physicochemical variation, residue mobility, and thermodynamic stability) indicates that this missense variant is not expected to disrupt DOCK8 protein function with a negative predictive value of 80%. In summary, the available evidence is currently insufficient to determine the role of this variant in disease. Therefore, it has been classified as a Variant of Uncertain Significance.

NM_203447.4(DOCK8):c.831C>G (p.Phe277Leu)

Gene: DOCK8 (dedicator of cytokinesis 8; plus strand). Cytogenetic location: 9p24.3.
Variant type: single nucleotide variant.
Coding change: c.831C>G on transcript NM_203447.4 (MANE Select); coding-DNA position 831, C replaced by G.
Protein change: p.Phe277Leu; replaces phenylalanine 277 with leucine.
Molecular consequence: missense variant.
Genome position (GRCh38, 1-based): chr9:325,674, C>G. VCF-style: chr9-325674-C-G. GRCh37 (hg19) VCF-style: chr9-325674-C-G.
Other names: c.627C>G, p.Phe209Leu (NM_001190458.2, NM_001193536.2); short protein forms F209L, F277L.
Identifiers: ClinVar variation 4745040 (VCV004745040.1).